The following is an entry in ClinVar:

ClinVar aggregate classification (germline): Pathogenic (1 of 4 stars; one submission).

Conditions:
Bainbridge-Ropers syndrome. Also called: Severe feeding difficulties-failure to thrive-microcephaly due to ASXL3 deficiency syndrome. Identifiers: Orphanet 352577, MedGen C4750837, MONDO:0014205, OMIM 615485.

Submission:

Institute of Immunology and Genetics Kaiserslautern
Classification: Pathogenic for Bainbridge-Ropers syndrome. Last evaluated: 2025-09-12. Review status: criteria provided, single submitter. Criteria: ACMG Guidelines, 2015. Collection method: clinical testing. Allele origin: de novo. Affected: yes.
Comment: ACMG Criteria: PVS1, PS2, PM2; Variant was found in heterozygous state. De novo-status was confirmed via in-house segregation analysis.

NM_030632.3(ASXL3):c.4163del (p.Gly1388fs)

Gene: ASXL3 (ASXL transcriptional regulator 3; plus strand). Cytogenetic location: 18q12.1.
Variant type: Deletion.
Coding change: c.4163del on transcript NM_030632.3 (MANE Select); coding-DNA position 4163, one base deleted (G; older notation c.4163delG).
Protein change: p.Gly1388fs; shifts the reading frame from glycine 1388.
Molecular consequence: frameshift variant.
Genome position (GRCh38, 1-based): chr18:33,744,011, G deleted; the last of 3 consecutive G bases (chr18:33,744,009-33,744,011); deleting any one gives the same sequence. VCF-style (leftmost placement, unchanged base first): chr18-33744008-TG-T. GRCh37 (hg19) VCF-style: chr18-31323972-TG-T.
Other names: short protein forms G1388fs.
Identifiers: ClinVar variation 4279050 (VCV004279050.1).